The following is an entry in ClinVar:

NM_000245.4(MET):c.1292T>C (p.Met431Thr)

Gene: MET (MET proto-oncogene, receptor tyrosine kinase; plus strand). Cytogenetic location: 7q31.2.
Variant type: single nucleotide variant.
Coding change: c.1292T>C on transcript NM_000245.4 (MANE Select); coding-DNA position 1292, T replaced by C.
Protein change: p.Met431Thr; replaces methionine 431 with threonine.
Molecular consequence: missense variant. On other transcripts: initiator codon variant (1).
Genome position (GRCh38, 1-based): chr7:116,731,759, T>C. VCF-style: chr7-116731759-T-C. GRCh37 (hg19) VCF-style: chr7-116371813-T-C.
Other names: c.1292T>C, p.Met431Thr (NM_001127500.3, NM_001324401.3); c.2T>C, p.Met1Thr (NM_001324402.2); short protein forms M431T, M1T.
Identifiers: ClinVar variation 41615 (VCV000041615.4), dbSNP rs201789039, ClinGen allele CA215628.

ClinVar aggregate classification (germline): Uncertain significance. Review status: criteria provided, single submitter (1 of 4 stars). 2 submissions from 2 submitters: Uncertain significance (1). 1 of the submissions does not count toward it. Last evaluated 2025-10-14.

Conditions:
Renal cell carcinoma. Identifiers: Orphanet 217071, MedGen C0007134, MeSH D002292, MONDO:0005086, HP:0005584.

gnomAD v4.1: 1 of 1,614,158 alleles (0.000062%); highest among the groups gnomAD compares: Non-Finnish European, 0.000085%; no homozygotes.

Submissions (2):

Labcorp Genetics (formerly Invitae), Labcorp
Classification: Uncertain significance for Renal cell carcinoma. Last evaluated: 2025-10-14. Review status: criteria provided, single submitter. Criteria: Invitae Variant Classification Sherloc (09022015). Collection method: clinical testing. Allele origin: germline.
Comment: This sequence change replaces methionine, which is neutral and non-polar, with threonine, which is neutral and polar, at codon 431 of the MET protein (p.Met431Thr). This variant is not present in population databases (gnomAD no frequency). This variant has not been reported in the literature in individuals affected with MET-related conditions. ClinVar contains an entry for this variant (Variation ID: 41615). Invitae Evidence Modeling of protein sequence and biophysical properties (such as structural, functional, and spatial information, amino acid conservation, physicochemical variation, residue mobility, and thermodynamic stability) indicates that this missense variant is not expected to disrupt MET protein function with a negative predictive value of 80%. In summary, the available evidence is currently insufficient to determine the role of this variant in disease. Therefore, it has been classified as a Variant of Uncertain Significance.

Biesecker Lab/Clinical Genomics Section, National Institutes of Health
Classification: Uncertain significance. Last evaluated: 2012-07-13. Review status: no assertion criteria provided. Collection method: research. Allele origin: germline. Affected: no. Observed: 1 variant allele. Study: ClinSeq. Not counted in ClinVar's aggregate classification.
ClinVar note: Converted during submission from variant of unknown significance to Uncertain significance.